The following is an entry in ClinVar:

NM_001384140.1(PCDH15):c.2423A>G (p.Lys808Arg)

Gene: PCDH15 (protocadherin related 15; minus strand). Cytogenetic location: 10q21.1.
Variant type: single nucleotide variant.
Coding change: c.2423A>G on transcript NM_001384140.1 (MANE Select); coding-DNA position 2423, A replaced by G.
Protein change: p.Lys808Arg; replaces lysine 808 with arginine.
Molecular consequence: missense variant.
Genome position (GRCh38, 1-based): chr10:54,022,995, T>C on the plus strand (A>G on the coding strand, the complement: PCDH15 is on the minus strand). VCF-style: chr10-54022995-T-C. GRCh37 (hg19) VCF-style: chr10-55782755-T-C.
Other names: c.2438A>G, p.Lys813Arg (NM_001142763.2, NM_001142771.2); c.2423A>G, p.Lys808Arg (NM_001142764.2, NM_001142766.2, NM_001142770.3 and 5 more transcripts); c.2210A>G, p.Lys737Arg (NM_001142765.2); c.2312A>G, p.Lys771Arg (NM_001142767.2); c.2357A>G, p.Lys786Arg (NM_001142768.2, NM_001142773.2, NM_001354404.2); c.2459A>G, p.Lys820Arg (NM_001142769.4); c.2444A>G, p.Lys815Arg (NM_001354411.2); short protein forms K786R, K808R, K737R, K813R, K815R, K771R, K820R.
Identifiers: ClinVar variation 4993556 (VCV004993556.1).

ClinVar aggregate classification (germline): Uncertain significance (1 of 4 stars; one submission).

Conditions:
PCDH15-related disorder. Also called: PCDH15-related condition; PCDH15-related disorders.

gnomAD v4.1: 11 of 1,613,986 alleles (0.00068%); highest among the groups gnomAD compares: Non-Finnish European, 0.00085%; no homozygotes.

Submission:

PreventionGenetics, part of Exact Sciences
Classification: Uncertain significance for PCDH15-related condition. Last evaluated: 2026-04-16. Review status: criteria provided, single submitter. Criteria: ACMG Guidelines, 2015. Collection method: clinical testing. Allele origin: germline.
Comment: The PCDH15 c.2423A>G variant is predicted to result in the amino acid substitution p.Lys808Arg. To our knowledge, this variant has not been reported in the literature. This variant is reported in 0.0018% of alleles in individuals of European (Non-Finnish) descent in gnomAD. Another variant affecting the same amino acid, c.2424G>C, p.(Lys808Asn) from transcript NM_033056, has been reported in an individual with inherited retinal disease (Table S12, Diñeiro et al. 2020. PubMed ID: 32483926); however, additional information was not provided. At this time, the clinical significance of this variant is uncertain due to the absence of conclusive functional and genetic evidence.